The following is an entry in ClinVar:

NC_000016.9:g.(?_70497094)_(70557446_?)dup

Genes: COG4 (component of oligomeric golgi complex 4; minus strand), FCSK (fucose kinase; plus strand). Cytogenetic location: 16q22.1.
Variant type: Duplication.
Identifiers: ClinVar variation 2427327 (VCV002427327.3).

ClinVar aggregate classification (germline): Uncertain significance (1 of 4 stars; one submission).

Submission:

Labcorp Genetics (formerly Invitae), Labcorp
Classification: Uncertain significance. Last evaluated: 2022-05-31. Review status: criteria provided, single submitter. Criteria: Invitae Variant Classification Sherloc (09022015). Collection method: clinical testing. Allele origin: germline.
Comment: In summary, the available evidence is currently insufficient to determine the role of this variant in disease. Therefore, it has been classified as a Variant of Uncertain Significance. Experimental studies and prediction algorithms are not available or were not evaluated, and the functional significance of this variant is currently unknown. This variant has not been reported in the literature in individuals affected with FUK-related conditions. A copy number gain of the genomic region encompassing the full coding sequence of the FUK gene has been identified. The boundaries of this event are unknown as they extend beyond the assayed region for this gene and therefore may encompass additional genes. As the precise location of this event is unknown, it may be in tandem or it may be located elsewhere in the genome.